The following is an entry in ClinVar:

NM_206933.4(USH2A):c.10162T>C (p.Ser3388Pro)

Gene: USH2A (usherin; minus strand). Cytogenetic location: 1q41.
Variant type: single nucleotide variant.
Coding change: c.10162T>C on transcript NM_206933.4 (MANE Select); coding-DNA position 10162, T replaced by C.
Protein change: p.Ser3388Pro; replaces serine 3388 with proline.
Molecular consequence: missense variant.
Genome position (GRCh38, 1-based): chr1:215,790,079, A>G on the plus strand (T>C on the coding strand, the complement: USH2A is on the minus strand). VCF-style: chr1-215790079-A-G. GRCh37 (hg19) VCF-style: chr1-215963421-A-G.
Other names: short protein forms S3388P.
Identifiers: ClinVar variation 2302414 (VCV002302414.3), dbSNP rs1202981852, ClinGen allele CA344843339.

ClinVar aggregate classification (germline): Uncertain significance. Review status: criteria provided, multiple submitters, no conflicts (2 of 4 stars). 2 submissions from 2 submitters: Uncertain significance (2). Last evaluated 2025-01-17.

Conditions:
Inborn genetic diseases. Identifiers: MedGen C0950123, MeSH D030342.

Allele frequency attached by ClinVar (database versions not stated): gnomAD exomes below 0.00001; gnomAD 0.00001.
gnomAD v4.1: 2 of 1,613,336 alleles (0.00012%); highest among the groups gnomAD compares: African/African-American, 0.0027%; no homozygotes.

Submissions (2):

GeneDx
Classification: Uncertain significance. Last evaluated: 2025-01-17. Review status: criteria provided, single submitter. Criteria: GeneDx Variant Classification Process June 2021. Collection method: clinical testing. Allele origin: germline. Affected: yes.
Comment: Not observed at significant frequency in large population cohorts (gnomAD); In silico analysis indicates that this missense variant does not alter protein structure/function; Has not been previously published as pathogenic or benign to our knowledge

Ambry Genetics
Classification: Uncertain significance for Inborn genetic diseases. Last evaluated: 2022-07-19. Review status: criteria provided, single submitter. Criteria: Ambry Variant Classification Scheme 2023. Collection method: clinical testing. Allele origin: germline.